The following is an entry in ClinVar:

ClinVar aggregate classification (germline): Likely benign. Review status: criteria provided, multiple submitters, no conflicts (2 of 4 stars). 2 submissions from 2 submitters: Likely benign (2). Last evaluated 2018-06-14.

Allele frequency attached by ClinVar (database versions not stated): 1000 Genomes Project 30x 0.00156; 1000 Genomes Project 0.00180; TOPMed 0.00586; gnomAD 0.00652 and 0.00682.
gnomAD v4.1: 990 of 152,310 alleles (0.65%); highest among the groups gnomAD compares: Non-Finnish European, 1.1%; 6 homozygotes.

Submissions (2):

GeneDx
Classification: Likely benign. Last evaluated: 2018-06-14. Review status: criteria provided, single submitter. Criteria: GeneDx Variant Classification (06012015). Collection method: clinical testing. Allele origin: germline. Affected: yes.
Comment: This variant is considered likely benign or benign based on one or more of the following criteria: it is a conservative change, it occurs at a poorly conserved position in the protein, it is predicted to be benign by multiple in silico algorithms, and/or has population frequency not consistent with disease.

Breakthrough Genomics
Classification: Likely benign. Review status: criteria provided, single submitter. Criteria: ACMG Guidelines, 2015. Collection method: not provided. Allele origin: germline. Inheritance: Autosomal dominant inheritance. Affected: yes.

NM_000093.5(COL5A1):c.1936-170G>A

Gene: COL5A1 (collagen type V alpha 1 chain; plus strand). Cytogenetic location: 9q34.3.
Variant type: single nucleotide variant.
Coding change: c.1936-170G>A on transcript NM_000093.5 (MANE Select); 170 bases into the intron before coding-DNA position 1936, G replaced by A.
Molecular consequence: intron variant.
Genome position (GRCh38, 1-based): chr9:134,761,755, G>A. VCF-style: chr9-134761755-G-A. GRCh37 (hg19) VCF-style: chr9-137653601-G-A.
Other names: c.1936-170G>A (NM_001278074.1).
Identifiers: ClinVar variation 675529 (VCV000675529.2), dbSNP rs143621182, ClinGen allele CA201093665.
Genomic context (GRCh38, chr9:134,761,755, plus strand): 5'-CACCCTCCTACCTTCAGGCCATCGTGGTGAGACTCAGGTGAGAGTCTGCAGCCTGCATTA[G>A]CCCGGCTGAGGCACACGTGATCTTCTAAGGAAAATTCCCCCATTCTGGAAGGGTCTTTTG-3'